The following is an entry in ClinVar:

ClinVar aggregate classification (germline): Benign (1 of 4 stars; one submission).

Allele frequency attached by ClinVar (database versions not stated): TOPMed 0.63523; gnomAD 0.63991 and 0.65222; 1000 Genomes Project 30x 0.64710; 1000 Genomes Project 0.66933.
gnomAD v4.1: 99,450 of 152,148 alleles (65%); highest among the groups gnomAD compares: East Asian, 91%; 36,305 homozygotes.

Submission:

GeneDx
Classification: Benign. Last evaluated: 2018-06-19. Review status: criteria provided, single submitter. Criteria: GeneDx Variant Classification (06012015). Collection method: clinical testing. Allele origin: germline. Affected: yes.
Comment: This variant is considered likely benign or benign based on one or more of the following criteria: it is a conservative change, it occurs at a poorly conserved position in the protein, it is predicted to be benign by multiple in silico algorithms, and/or has population frequency not consistent with disease.

NM_003383.5(VLDLR):c.82+283T>C

Gene: VLDLR (very low density lipoprotein receptor; plus strand). Cytogenetic location: 9p24.2.
Variant type: single nucleotide variant.
Coding change: c.82+283T>C on transcript NM_003383.5 (MANE Select); 283 bases into the intron after coding-DNA position 82, T replaced by C.
Molecular consequence: intron variant.
Genome position (GRCh38, 1-based): chr9:2,622,554, T>C. VCF-style: chr9-2622554-T-C. GRCh37 (hg19) VCF-style: chr9-2622554-T-C.
Other names: c.82+283T>C (NM_001018056.3, NM_001322225.2, NM_001322226.2).
Identifiers: ClinVar variation 667582 (VCV000667582.1), dbSNP rs7874933, ClinGen allele CA13005678.
Genomic context (GRCh38, chr9:2,622,554, plus strand): 5'-TCGCCTGAACTAGTCTTCTGCCCCTCACTCCGCCTCCCCCAGAGCCGCTGCTTCGCCTCG[T>C]TTCTCGCCCTCTTGACGGGCGCCGAGGTGCGTGGGCTTCTGAGCATTGAACAATGGTTCT-3'